The following is an entry in ClinVar:

ClinVar aggregate classification (germline): Uncertain significance (1 of 4 stars; one submission).

Conditions:
DCTN1-related disorder. Also called: DCTN1-related condition.

gnomAD v4.1: 1 of 1,614,128 alleles (0.000062%); highest among the groups gnomAD compares: Non-Finnish European, 0.000085%; no homozygotes.

Submission:

PreventionGenetics, part of Exact Sciences
Classification: Uncertain significance for DCTN1-related condition. Last evaluated: 2025-10-13. Review status: criteria provided, single submitter. Criteria: ACMG Guidelines, 2015. Collection method: clinical testing. Allele origin: germline.
Comment: The DCTN1 c.2248A>G variant is predicted to result in the amino acid substitution p.Ile750Val. To our knowledge, this variant has not been reported in the literature or in a large population database (gnomAD), indicating this variant is rare. At this time, the clinical significance of this variant is uncertain due to the absence of conclusive functional and genetic evidence.

NM_004082.5(DCTN1):c.2248A>G (p.Ile750Val)

Gene: DCTN1 (dynactin subunit 1; minus strand). Cytogenetic location: 2p13.1.
Variant type: single nucleotide variant.
Coding change: c.2248A>G on transcript NM_004082.5 (MANE Select); coding-DNA position 2248, A replaced by G.
Protein change: p.Ile750Val; replaces isoleucine 750 with valine.
Molecular consequence: missense variant. On other transcripts: non-coding transcript variant (1).
Genome position (GRCh38, 1-based): chr2:74,367,357, T>C on the plus strand (A>G on the coding strand, the complement: DCTN1 is on the minus strand). VCF-style: chr2-74367357-T-C. GRCh37 (hg19) VCF-style: chr2-74594484-T-C.
Other names: c.2188A>G, p.Ile730Val (NM_001135040.3); c.1846A>G, p.Ile616Val (NM_001135041.3, NM_023019.4); c.2137A>G, p.Ile713Val (NM_001190836.2); c.2227A>G, p.Ile743Val (NM_001190837.2); c.2197A>G, p.Ile733Val (NM_001378991.1); c.2179A>G, p.Ile727Val (NM_001378992.1); short protein forms I733V, I750V, I616V, I713V, I730V, I727V, I743V.
Identifiers: ClinVar variation 4993075 (VCV004993075.1).